The following is an entry in ClinVar:

ClinVar aggregate classification (germline): Benign. Review status: criteria provided, single submitter (1 of 4 stars). 2 submissions from 2 submitters: Benign (1). 1 of the submissions does not count toward it. Last evaluated 2019-12-31.

Conditions:
BCORL1-related disorder. Also called: BCORL1-related condition.

Allele frequency attached by ClinVar (database versions not stated): ExAC 0.00446; 1000 Genomes Project 0.00689; 1000 Genomes Project 30x 0.00708; gnomAD 0.00839 and 0.00922; TOPMed 0.00993; ESP Exome Variant Server 0.01259; gnomAD exomes 0.00289 and 0.00389.
gnomAD v4.1: 4,140 of 1,208,369 alleles (0.34%); highest among the groups gnomAD compares: African/African-American, 2.5%; 14 homozygotes.

Submissions (2):

Labcorp Genetics (formerly Invitae), Labcorp
Classification: Benign. Last evaluated: 2019-12-31. Review status: criteria provided, single submitter. Criteria: Invitae Variant Classification Sherloc (09022015). Collection method: clinical testing. Allele origin: germline.

PreventionGenetics, part of Exact Sciences
Classification: Benign for BCORL1-related condition. Last evaluated: 2019-06-11. Review status: no assertion criteria provided. Collection method: clinical testing. Allele origin: germline. Not counted in ClinVar's aggregate classification.
Comment: This variant is classified as benign based on ACMG/AMP sequence variant interpretation guidelines (Richards et al. 2015 PMID: 25741868, with internal and published modifications).

NM_001379451.1(BCORL1):c.1446G>A (p.Pro482=)

Gene: BCORL1 (BCL6 corepressor like 1; plus strand). Cytogenetic location: Xq26.1.
Variant type: single nucleotide variant.
Coding change: c.1446G>A on transcript NM_001379451.1 (MANE Select); coding-DNA position 1446, G replaced by A.
Protein change: p.Pro482=; no amino-acid change (proline 482 retained).
Molecular consequence: synonymous variant.
Genome position (GRCh38, 1-based): chrX:130,014,218, G>A. VCF-style: chrX-130014218-G-A. GRCh37 (hg19) VCF-style: chrX-129148194-G-A.
Other names: c.1446G>A, p.Pro482= (NM_001184772.3, NM_001379450.1, NM_021946.5).
Identifiers: ClinVar variation 789253 (VCV000789253.6), dbSNP rs112032085, ClinGen allele CA10514248.
Genomic context (GRCh38, chrX:130,014,218, plus strand): 5'-TGTGGCCACACTGCCAACCACTCTAGGGGTTTCCTCCACTCTTACGCTCCCTGTCCTGCC[G>A]TCCTACCTGCAGGACAGGTGTCTCCCAGGCGTGCTAGCCTCCCCCGAGCTCCGTTCTTAC-3'
Protein context (NP_001366380.1, residues 472-492): VSSTLTLPVL[Pro482=]SYLQDRCLPG